The following is an entry in ClinVar:

NM_002454.3(MTRR):c.496G>T (p.Ala166Ser)

Gene: MTRR (5-methyltetrahydrofolate-homocysteine methyltransferase reductase; plus strand). Cytogenetic location: 5p15.31.
Variant type: single nucleotide variant.
Coding change: c.496G>T on transcript NM_002454.3 (MANE Select); coding-DNA position 496, G replaced by T.
Protein change: p.Ala166Ser; replaces alanine 166 with serine.
Molecular consequence: missense variant. On other transcripts: non-coding transcript variant (14).
Genome position (GRCh38, 1-based): chr5:7,878,038, G>T. VCF-style: chr5-7878038-G-T. GRCh37 (hg19) VCF-style: chr5-7878151-G-T.
Other names: c.496G>T, p.Ala166Ser (NM_024010.4, NM_001364440.2, NM_001364441.2 and 1 more transcripts); c.496G>T (NM_002454.2); short protein forms A166S.
Identifiers: ClinVar variation 2150996 (VCV002150996.2), dbSNP rs114253881, ClinGen allele CA3195614.

ClinVar aggregate classification (germline): Uncertain significance. Review status: criteria provided, multiple submitters, no conflicts (2 of 4 stars). 2 submissions from 2 submitters: Uncertain significance (2). Last evaluated 2024-01-22.

Conditions:
Inborn genetic diseases. Identifiers: MedGen C0950123, MeSH D030342.
Methylcobalamin deficiency type cblE (HMAE). Also called: HOMOCYSTINURIA-MEGALOBLASTIC ANEMIA, cblE COMPLEMENTATION TYPE; VITAMIN B12-RESPONSIVE HOMOCYSTINURIA, cblE TYPE; HOMOCYSTINURIA-MEGALOBLASTIC ANEMIA, cblE TYPE. Identifiers: Orphanet 2169, Orphanet 622, MedGen C1856057, MONDO:0009354, OMIM 236270.

Allele frequency attached by ClinVar (database versions not stated): ESP Exome Variant Server 0.00008.

Submissions (2):

Ambry Genetics
Classification: Uncertain significance for Inborn genetic diseases. Last evaluated: 2024-01-22. Review status: criteria provided, single submitter. Criteria: Ambry Variant Classification Scheme 2023. Collection method: clinical testing. Allele origin: germline.

Labcorp Genetics (formerly Invitae), Labcorp
Classification: Uncertain significance for Methylcobalamin deficiency type cblE. Last evaluated: 2021-10-14. Review status: criteria provided, single submitter. Criteria: Invitae Variant Classification Sherloc (09022015). Collection method: clinical testing. Allele origin: germline.
Comment: This sequence change replaces alanine with serine at codon 166 of the MTRR protein (p.Ala166Ser). The alanine residue is weakly conserved and there is a moderate physicochemical difference between alanine and serine. This variant is present in population databases (rs114253881, ExAC 0.01%). This variant has not been reported in the literature in individuals affected with MTRR-related conditions. Algorithms developed to predict the effect of missense changes on protein structure and function (SIFT, PolyPhen-2, Align-GVGD) all suggest that this variant is likely to be tolerated. In summary, the available evidence is currently insufficient to determine the role of this variant in disease. Therefore, it has been classified as a Variant of Uncertain Significance.